The following is an entry in ClinVar:

ClinVar aggregate classification (germline): Uncertain significance (1 of 4 stars; one submission).

Allele frequency attached by ClinVar (database versions not stated): gnomAD 0.00001 and 0.00003; TOPMed 0.00002; gnomAD exomes 0.00006; ExAC 0.00015.
gnomAD v4.1: 70 of 1,612,152 alleles (0.0043%); highest among the groups gnomAD compares: African/African-American, 0.008%; no homozygotes.

Submission:

GeneDx
Classification: Uncertain significance. Last evaluated: 2020-09-03. Review status: criteria provided, single submitter. Criteria: GeneDx Variant Classification Process June 2021. Collection method: clinical testing. Allele origin: germline. Affected: yes.
Comment: Not observed at a significant frequency in large population cohorts (Lek et al., 2016); In silico analysis, which includes protein predictors and evolutionary conservation, supports a deleterious effect; Has not been previously published as pathogenic or benign to our knowledge

NM_001042545.2(LTBP4):c.1973G>A (p.Arg658His)

Gene: LTBP4 (latent transforming growth factor beta binding protein 4; plus strand). Cytogenetic location: 19q13.2.
Variant type: single nucleotide variant.
Coding change: c.1973G>A on transcript NM_001042545.2 (MANE Select); coding-DNA position 1973, G replaced by A.
Protein change: p.Arg658His; replaces arginine 658 with histidine.
Molecular consequence: missense variant.
Genome position (GRCh38, 1-based): chr19:40,611,314, G>A. VCF-style: chr19-40611314-G-A. GRCh37 (hg19) VCF-style: chr19-41117220-G-A.
Other names: c.2174G>A, p.Arg725His (NM_001042544.1); c.2063G>A, p.Arg688His (NM_003573.2); short protein forms R658H, R688H, R725H.
Identifiers: ClinVar variation 1181033 (VCV001181033.2), dbSNP rs777432652, ClinGen allele CA9448492.
Genomic context (GRCh38, chr19:40,611,314, plus strand): 5'-CGGCGTGTGAAGAGGATGTGGATGAGTGTGCCCAGGAGCCGCCGCCCTGTGGGCCCGGCC[G>A]CTGTGACAACACGGCAGGCTCCTTTCACTGTGCCTGCCCTGCTGGCTTCCGCTCCCGAGG-3'
Protein context (NP_001036010.1, residues 648-668): AQEPPPCGPG[Arg658His]CDNTAGSFHC